The following is an entry in ClinVar:

NM_031885.5(BBS2):c.500C>G (p.Ala167Gly)

Gene: BBS2 (Bardet-Biedl syndrome 2; minus strand). Cytogenetic location: 16q13.
Variant type: single nucleotide variant.
Coding change: c.500C>G on transcript NM_031885.5 (MANE Select); coding-DNA position 500, C replaced by G.
Protein change: p.Ala167Gly; replaces alanine 167 with glycine.
Molecular consequence: missense variant. On other transcripts: non-coding transcript variant (5).
Genome position (GRCh38, 1-based): chr16:56,510,893, G>C on the plus strand (C>G on the coding strand, the complement: BBS2 is on the minus strand). VCF-style: chr16-56510893-G-C. GRCh37 (hg19) VCF-style: chr16-56544805-G-C.
Other names: c.500C>G, p.Ala167Gly (NM_001377456.1); short protein forms A167G.
Identifiers: ClinVar variation 4998390 (VCV004998390.1).

ClinVar aggregate classification (germline): Uncertain significance (1 of 4 stars; one submission).

Conditions:
BBS2-related disorder. Also called: BBS2-related condition; BBS2-related disorders. Identifiers: MedGen CN239228.

Submission:

PreventionGenetics, part of Exact Sciences
Classification: Uncertain significance for BBS2-related condition. Last evaluated: 2026-05-05. Review status: criteria provided, single submitter. Criteria: ACMG Guidelines, 2015. Collection method: clinical testing. Allele origin: germline.
Comment: The BBS2 c.500C>G variant is predicted to result in the amino acid substitution p.Ala167Gly. To our knowledge, this variant has not been reported in the literature. This variant is reported in 0.0062% of alleles in individuals of African descent in gnomAD. At this time, the clinical significance of this variant is uncertain due to the absence of conclusive functional and genetic evidence.